The following is an entry in ClinVar:

ClinVar aggregate classification (germline): Conflicting classifications of pathogenicity. Review status: criteria provided, conflicting classifications (1 of 4 stars). 5 submissions from 5 submitters: Uncertain significance (3); Likely benign (1). 1 of the submissions does not count toward it. Last evaluated 2025-09-24.

Conditions:
Familial hypercholesterolemia. Also called: Familial hypercholesterolaemia; Familial hypercholesterolemias. Identifiers: MedGen C0020445, MONDO:0005439.
Cardiovascular phenotype. Identifiers: MedGen CN230736.
APOE-related disorder. Also called: APOE-related condition.

Allele frequency attached by ClinVar (database versions not stated): TOPMed 0.00005; gnomAD 0.00007; ESP Exome Variant Server 0.00008; 1000 Genomes Project 30x 0.00031; 1000 Genomes Project 0.00040.
gnomAD v4.1: 81 of 1,613,974 alleles (0.005%); highest among the groups gnomAD compares: East Asian, 0.078%; 1 homozygote.

Submissions (5):

Cambridge Genomics Laboratory, East Genomic Laboratory Hub, NHS Genomic Medicine Service
Classification: Uncertain significance for Familial hypercholesterolaemia. Last evaluated: 2025-09-24. Review status: criteria provided, single submitter. Criteria: ACGS Best Practice Guidelines for Variant Classification in Rare Disease 2020. Collection method: clinical testing. Allele origin: germline. Affected: yes.

Blueprint Genetics
Classification: Likely benign. Last evaluated: 2024-10-16. Review status: criteria provided, single submitter. Criteria: ACMG Guidelines, 2015. Collection method: clinical testing. Allele origin: germline.

Ambry Genetics
Classification: Uncertain significance for Cardiovascular phenotype. Last evaluated: 2024-09-03. Review status: criteria provided, single submitter. Criteria: Ambry Variant Classification Scheme 2023. Collection method: clinical testing. Allele origin: germline.
Comment: The p.Q64H variant (also known as c.192G>C), located in coding exon 2 of the APOE gene, results from a G to C substitution at nucleotide position 192. The glutamine at codon 64 is replaced by histidine, an amino acid with highly similar properties. This alteration has been reported in a hypertriglyceridemia cohort (Jin JL et al. EBioMedicine, 2018 Dec;38:171-177). This amino acid position is not well conserved in available vertebrate species. In addition, the in silico prediction for this alteration is inconclusive. Based on the available evidence, the clinical significance of this variant remains unclear.

Mayo Clinic Laboratories, Mayo Clinic
Classification: Uncertain significance. Last evaluated: 2024-02-23. Review status: criteria provided, single submitter. Criteria: ACMG Guidelines, 2015. Collection method: clinical testing. Allele origin: germline. Observed: 1 variant allele.
Comment: BS1

PreventionGenetics, part of Exact Sciences
Classification: Uncertain significance for APOE-related condition. Last evaluated: 2024-02-21. Review status: no assertion criteria provided. Collection method: clinical testing. Allele origin: germline. Not counted in ClinVar's aggregate classification.
Comment: The APOE c.192G>C variant is predicted to result in the amino acid substitution p.Gln64His. This variant was reported in individuals with hyperlipidemia (described as p.Gln46His, Maruyama et al. 2004. PubMed ID: 15256764; Table S2, Jin et al. 2018. PubMed ID: 30420299). This variant is reported in 0.12% of alleles in individuals of East Asian descent in gnomAD. At this time, the clinical significance of this variant is uncertain due to the absence of conclusive functional and genetic evidence.

Literature cited by the submitters: PubMed 30420299 (cited by Ambry Genetics and Mayo Clinic Laboratories, Mayo Clinic); PubMed 15256764 (cited by Mayo Clinic Laboratories, Mayo Clinic); PubMed 33761857 (cited by Mayo Clinic Laboratories, Mayo Clinic); PubMed 34058468 (cited by Mayo Clinic Laboratories, Mayo Clinic).

NM_000041.4(APOE):c.192G>C (p.Gln64His)

Gene: APOE (apolipoprotein E; plus strand). Cytogenetic location: 19q13.32.
Variant type: single nucleotide variant.
Coding change: c.192G>C on transcript NM_000041.4 (MANE Select); coding-DNA position 192, G replaced by C.
Protein change: p.Gln64His; replaces glutamine 64 with histidine.
Molecular consequence: missense variant.
Genome position (GRCh38, 1-based): chr19:44,907,908, G>C. VCF-style: chr19-44907908-G-C. GRCh37 (hg19) VCF-style: chr19-45411165-G-C.
Other names: p.Gln64His; c.270G>C, p.Gln90His (NM_001302688.2); c.192G>C, p.Gln64His (NM_001302689.2, NM_001302690.2, NM_001302691.2); c.192G>C (NM_000041.3); short protein forms Q90H, Q64H.
Identifiers: ClinVar variation 2514464 (VCV002514464.8), dbSNP rs370594287, ClinGen allele CA9505996.